The following is an entry in ClinVar:

ClinVar aggregate classification (germline): Pathogenic. Review status: criteria provided, multiple submitters, no conflicts (2 of 4 stars). 5 submissions from 5 submitters: Pathogenic (3). 2 of the submissions do not count toward it. Last evaluated 2025-06-23.

Conditions:
Congenital lipoid adrenal hyperplasia due to STAR deficency. Also called: Cholesterol monooxygenase (side-chain cleaving) deficiency; Congenital Lipoid Adrenal Hyperplasia; Lipoid adrenal hyperplasia; ADRENAL HYPERPLASIA I. Identifiers: Orphanet 418, Orphanet 90790, MedGen C0342474, MONDO:0008725, OMIM 201710.

Allele frequency attached by ClinVar (database versions not stated): TOPMed below 0.00001; ExAC 0.00001; gnomAD 0.00001 and 0.00002; gnomAD exomes 0.00001; 1000 Genomes Project 30x 0.00016.

Submissions (5):

Natera, Inc.
Classification: Pathogenic for Congenital lipoid adrenal hyperplasia. Last evaluated: 2025-06-23. Review status: criteria provided, single submitter. Criteria: Natera Variant Classification Schema (03/2026). Collection method: clinical testing. Allele origin: germline.
Comment: The c.577C>T variant in STAR is a nonsense variant predicted to introduce a stop codon at amino acid 193. This variant is expected to result in nonsense mediated decay, truncation, or a dysfunctional protein product. This variant is rare in the general population with a frequency below the threshold expected for the associated phenotype(s). This variant has been observed in one or more individuals affected with the associated recessive disease, as either homozygous or compound heterozygous with a second variant (PMID: 28637490, 26827627). Given the available evidence, this variant is classified as Pathogenic.

Fulgent Genetics
Classification: Pathogenic for Congenital lipoid adrenal hyperplasia due to STAR deficency. Last evaluated: 2024-05-28. Review status: criteria provided, single submitter. Criteria: ACMG Guidelines, 2015. Collection method: clinical testing. Allele origin: germline.

Labcorp Genetics (formerly Invitae), Labcorp
Classification: Pathogenic. Last evaluated: 2024-02-16. Review status: criteria provided, single submitter. Criteria: Invitae Variant Classification Sherloc (09022015). Collection method: clinical testing. Allele origin: germline.
Comment: This sequence change creates a premature translational stop signal (p.Arg193*) in the STAR gene. It is expected to result in an absent or disrupted protein product. Loss-of-function variants in STAR are known to be pathogenic (PMID: 8948562). This variant is present in population databases (rs387907235, gnomAD 0.006%). This premature translational stop signal has been observed in individual(s) with clinical features of congenital lipoid adrenal hyperplasia (PMID: 8948562, 28637490). ClinVar contains an entry for this variant (Variation ID: 35553). For these reasons, this variant has been classified as Pathogenic.

Counsyl
Classification: Pathogenic for Congenital lipoid adrenal hyperplasia due to STAR deficency. Last evaluated: 2017-03-22. Review status: no assertion criteria provided. Collection method: clinical testing. Allele origin: unknown. Not counted in ClinVar's aggregate classification.

OMIM
Classification: Pathogenic for LIPOID CONGENITAL ADRENAL HYPERPLASIA. Last evaluated: 1995-03-24. Review status: no assertion criteria provided. Collection method: literature only. Allele origin: germline. Not counted in ClinVar's aggregate classification.

Literature cited by the submitters: PubMed 28637490 (cited by Natera, Inc. and Labcorp Genetics (formerly Invitae), Labcorp); PubMed 26827627 (cited by Natera, Inc.); PubMed 8948562 (cited by Labcorp Genetics (formerly Invitae), Labcorp and Counsyl); PubMed 7892608 (cited by Counsyl and OMIM); PubMed 27047663 (cited by Counsyl).

NM_000349.3(STAR):c.577C>T (p.Arg193Ter)

Gene: STAR (steroidogenic acute regulatory protein; minus strand). Cytogenetic location: 8p11.23.
Variant type: single nucleotide variant.
Coding change: c.577C>T on transcript NM_000349.3 (MANE Select); coding-DNA position 577, C replaced by T.
Protein change: p.Arg193Ter; replaces arginine 193 with a stop codon.
Molecular consequence: nonsense.
Genome position (GRCh38, 1-based): chr8:38,146,036, G>A on the plus strand (C>T on the coding strand, the complement: STAR is on the minus strand). VCF-style: chr8-38146036-G-A. GRCh37 (hg19) VCF-style: chr8-38003554-G-A.
Other names: short protein forms R193*.
Identifiers: ClinVar variation 35553 (VCV000035553.11), dbSNP rs387907235, ClinGen allele CA129942.